The following is an entry in ClinVar:

ClinVar aggregate classification (germline): Conflicting classifications of pathogenicity. Review status: criteria provided, conflicting classifications (1 of 4 stars). 4 submissions from 4 submitters: Uncertain significance (3); Likely benign (1). Last evaluated 2024-04-24.

Conditions:
BAP1-related tumor predisposition syndrome (TPDS1). Also called: Tumor susceptibility linked to germline BAP1 mutations; BAP1 tumor predisposition syndrome; COMMON Syndrome; TUMOR PREDISPOSITION SYNDROME 1. Identifiers: Orphanet 289539, MedGen C3280492, MONDO:0013692, OMIM 614327.
Hereditary cancer-predisposing syndrome. Also called: Hereditary Cancer Syndrome; Neoplastic Syndromes, Hereditary; Tumor predisposition; Hereditary neoplastic syndrome. Identifiers: Orphanet 140162, MedGen C0027672, MeSH D009386, MONDO:0015356.

Allele frequency attached by ClinVar (database versions not stated): gnomAD exomes 0.00001 and 0.00002; ExAC 0.00002; TOPMed 0.00002.

Submissions (4):

Labcorp Genetics (formerly Invitae), Labcorp
Classification: Uncertain significance for BAP1-related tumor predisposition syndrome. Last evaluated: 2024-04-24. Review status: criteria provided, single submitter. Criteria: Invitae Variant Classification Sherloc (09022015). Collection method: clinical testing. Allele origin: germline.
Comment: This sequence change replaces threonine, which is neutral and polar, with isoleucine, which is neutral and non-polar, at codon 266 of the BAP1 protein (p.Thr266Ile). This variant is present in population databases (rs769338697, gnomAD 0.02%). This variant has not been reported in the literature in individuals affected with BAP1-related conditions. ClinVar contains an entry for this variant (Variation ID: 489644). Advanced modeling of protein sequence and biophysical properties (such as structural, functional, and spatial information, amino acid conservation, physicochemical variation, residue mobility, and thermodynamic stability) performed at Invitae indicates that this missense variant is not expected to disrupt BAP1 protein function with a negative predictive value of 80%. In summary, the available evidence is currently insufficient to determine the role of this variant in disease. Therefore, it has been classified as a Variant of Uncertain Significance.

Color Diagnostics, LLC DBA Color Health
Classification: Uncertain significance for Hereditary cancer-predisposing syndrome. Last evaluated: 2023-09-12. Review status: criteria provided, single submitter. Criteria: ACMG Guidelines, 2015. Collection method: clinical testing. Allele origin: germline.
Comment: This missense variant replaces threonine with isoleucine at codon 266 of the BAP1 protein. Computational prediction suggests that this variant may not impact protein structure and function (internally defined REVEL score threshold <= 0.5, PMID: 27666373). To our knowledge, functional studies have not been reported for this variant. This variant has not been reported in individuals affected with BAP1-related disorders in the literature. This variant has been identified in 4/251406 chromosomes in the general population by the Genome Aggregation Database (gnomAD). The available evidence is insufficient to determine the role of this variant in disease conclusively. Therefore, this variant is classified as a Variant of Uncertain Significance.

Ambry Genetics
Classification: Likely benign for Hereditary cancer-predisposing syndrome. Last evaluated: 2023-02-10. Review status: criteria provided, single submitter. Criteria: Ambry Variant Classification Scheme 2023. Collection method: clinical testing. Allele origin: germline.

GeneDx
Classification: Uncertain significance. Last evaluated: 2023-01-26. Review status: criteria provided, single submitter. Criteria: GeneDx Variant Classification Process June 2021. Collection method: clinical testing. Allele origin: germline. Affected: yes.
Comment: Observed in large population cohorts (gnomAD; internal data); In silico analysis supports that this missense variant does not alter protein structure/function; Has not been previously published as pathogenic or benign to our knowledge

NM_004656.4(BAP1):c.797C>T (p.Thr266Ile)

Gene: BAP1 (BRCA1 associated deubiquitinase 1; minus strand). Cytogenetic location: 3p21.1.
Variant type: single nucleotide variant.
Coding change: c.797C>T on transcript NM_004656.4 (MANE Select); coding-DNA position 797, C replaced by T.
Protein change: p.Thr266Ile; replaces threonine 266 with isoleucine.
Molecular consequence: missense variant.
Genome position (GRCh38, 1-based): chr3:52,405,899, G>A on the plus strand (C>T on the coding strand, the complement: BAP1 is on the minus strand). VCF-style: chr3-52405899-G-A. GRCh37 (hg19) VCF-style: chr3-52439915-G-A.
Other names: c.797C>T (LRG_529t1); short protein forms T266I.
Identifiers: ClinVar variation 489644 (VCV000489644.15), dbSNP rs769338697, ClinGen allele CA2436987.